The following is an entry in ClinVar:

NM_001903.5(CTNNA1):c.2394C>T (p.Ala798=)

Gene: CTNNA1 (catenin alpha 1; plus strand). Cytogenetic location: 5q31.2.
Variant type: single nucleotide variant.
Coding change: c.2394C>T on transcript NM_001903.5 (MANE Select); coding-DNA position 2394, C replaced by T.
Protein change: p.Ala798=; no amino-acid change (alanine 798 retained).
Molecular consequence: synonymous variant. On other transcripts: intron variant (1).
Genome position (GRCh38, 1-based): chr5:138,932,673, C>T. VCF-style: chr5-138932673-C-T. GRCh37 (hg19) VCF-style: chr5-138268362-C-T.
Other names: c.1189-1129C>T (NM_001324001.1); c.2394C>T, p.Ala798= (NM_001290307.3, NM_001323982.2, NM_001323983.1 and 2 more transcripts); c.2085C>T, p.Ala695= (NM_001290309.3); c.2025C>T, p.Ala675= (NM_001290310.3); c.1284C>T, p.Ala428= (NM_001290312.1, NM_001323987.1, NM_001323988.1 and 16 more transcripts); c.2301C>T, p.Ala767= (NM_001323986.2); c.945C>T, p.Ala315= (NM_001324006.1, NM_001324007.1, NM_001324008.1 and 2 more transcripts); c.1191C>T, p.Ala397= (NM_001324011.1); and 2 more.
Identifiers: ClinVar variation 697583 (VCV000697583.18), dbSNP rs752347559, ClinGen allele CA3432179.

ClinVar aggregate classification (germline): Benign/Likely benign. Review status: criteria provided, multiple submitters, no conflicts (2 of 4 stars). 5 submissions from 5 submitters: Benign (1); Likely benign (4). Last evaluated 2026-01-07.

Conditions:
CTNNA1-related disorder. Also called: CTNNA1-related condition.
Hereditary cancer-predisposing syndrome. Also called: Tumor predisposition; Hereditary neoplastic syndrome; Hereditary Cancer Syndrome; Neoplastic Syndromes, Hereditary. Identifiers: Orphanet 140162, MedGen C0027672, MeSH D009386, MONDO:0015356.
Hereditary diffuse gastric adenocarcinoma (HDGC). Also called: DIFFUSE GASTRIC AND LOBULAR BREAST CANCER SYNDROME. Identifiers: Orphanet 26106, MedGen C1708349, MONDO:0007648, OMIM 137215.

Allele frequency attached by ClinVar (database versions not stated): ExAC 0.00001; gnomAD 0.00001; gnomAD exomes 0.00001; TOPMed 0.00002.
gnomAD v4.1: 19 of 1,614,042 alleles (0.0012%); highest among the groups gnomAD compares: Non-Finnish European, 0.0016%; no homozygotes.

Submissions (5):

PreventionGenetics, part of Exact Sciences
Classification: Likely benign for CTNNA1-related condition. Last evaluated: 2026-01-07. Review status: criteria provided, single submitter. Criteria: ACMG Guidelines, 2015. Collection method: clinical testing. Allele origin: germline.
Comment: This variant is classified as likely benign based on ACMG/AMP sequence variant interpretation guidelines (Richards et al. 2015 PMID: 25741868, with internal and published modifications).

Labcorp Genetics (formerly Invitae), Labcorp
Classification: Likely benign. Last evaluated: 2025-12-21. Review status: criteria provided, single submitter. Criteria: Invitae Variant Classification Sherloc (09022015). Collection method: clinical testing. Allele origin: germline.

Myriad Genetics, Inc.
Classification: Benign for Hereditary diffuse gastric adenocarcinoma. Last evaluated: 2024-10-15. Review status: criteria provided, single submitter. Criteria: Myriad Autosomal Dominant, Autosomal Recessive and X-Linked Classification Criteria (2023). Collection method: clinical testing. Allele origin: unknown.
Comment: This variant is considered benign. This variant is a silent/synonymous amino acid change and it is not expected to impact splicing.

Blueprint Genetics
Classification: Likely benign. Last evaluated: 2024-07-15. Review status: criteria provided, single submitter. Criteria: ACMG Guidelines, 2015. Collection method: clinical testing. Allele origin: germline.

Ambry Genetics
Classification: Likely benign for Hereditary cancer-predisposing syndrome. Last evaluated: 2019-07-16. Review status: criteria provided, single submitter. Criteria: Ambry Variant Classification Scheme 2023. Collection method: clinical testing. Allele origin: germline.